The following is an entry in ClinVar:

NM_005591.4(MRE11):c.1501-4C>T

Gene: MRE11 (MRE11 double strand break repair nuclease; minus strand). Cytogenetic location: 11q21.
Variant type: single nucleotide variant.
Coding change: c.1501-4C>T on transcript NM_005591.4 (MANE Select); 4 bases into the intron before coding-DNA position 1501, C replaced by T.
Molecular consequence: intron variant.
Genome position (GRCh38, 1-based): chr11:94,456,342, G>A on the plus strand (C>T on the coding strand, the complement: MRE11 is on the minus strand). VCF-style: chr11-94456342-G-A. GRCh37 (hg19) VCF-style: chr11-94189508-G-A.
Other names: c.1501-4C>T (NM_001330347.2, NM_005590.4).
Identifiers: ClinVar variation 1799929 (VCV001799929.2), dbSNP rs377584386, ClinGen allele CA2580085054.
Genomic context (GRCh38, chr11:94,456,342, plus strand): 5'-GACTTCATCATCTTCTTCATTAGTATTTTTTTGTCTGGTTTCTCTGAAACGACGTACCTA[G>A]ATCATAACAGAGTAAATCACAAACATGTTGCCTATTCCAGTTATGTAAATATAAAACAAG-3'

ClinVar aggregate classification (germline): Uncertain significance (1 of 4 stars; one submission).

Conditions:
Hereditary cancer-predisposing syndrome. Also called: Neoplastic Syndromes, Hereditary; Tumor predisposition; Hereditary Cancer Syndrome; Hereditary neoplastic syndrome. Identifiers: Orphanet 140162, MedGen C0027672, MeSH D009386, MONDO:0015356.

Submission:

Ambry Genetics
Classification: Uncertain significance for Hereditary cancer-predisposing syndrome. Last evaluated: 2020-07-20. Review status: criteria provided, single submitter. Criteria: Ambry Variant Classification Scheme 2023. Collection method: clinical testing. Allele origin: germline.
Comment: The c.1501-4C>T intronic variant results from a C to T substitution 4 nucleotides upstream from coding exon 13 in the MRE11A gene. This nucleotide position is poorly conserved in available vertebrate species. In silico splice site analysis predicts that this alteration will not have any significant effect on splicing. Since supporting evidence is limited at this time, the clinical significance of this alteration remains unclear.